The following is an entry in ClinVar:

ClinVar aggregate classification (germline): Uncertain significance (1 of 4 stars; one submission).

Conditions:
Joubert syndrome. Also called: CEREBELLOPARENCHYMAL DISORDER IV; JOUBERT-BOLTSHAUSER SYNDROME; Familial aplasia of the vermis. Identifiers: Orphanet 475, MedGen C5979921, MONDO:0018772.
Meckel-Gruber syndrome. Also called: DYSENCEPHALIA SPLANCHNOCYSTICA; GRUBER SYNDROME; Dysencephalia splachnocystica. Identifiers: Orphanet 564, MedGen C0265215, MONDO:0018921.

Submission:

Labcorp Genetics (formerly Invitae), Labcorp
Classification: Uncertain significance for Joubert syndrome; Meckel-Gruber syndrome. Last evaluated: 2022-09-27. Review status: criteria provided, single submitter. Criteria: Invitae Variant Classification Sherloc (09022015). Collection method: clinical testing. Allele origin: germline.
Comment: This sequence change replaces glutamine, which is neutral and polar, with proline, which is neutral and non-polar, at codon 499 of the RPGRIP1L protein (p.Gln499Pro). This variant is not present in population databases (gnomAD no frequency). This variant has not been reported in the literature in individuals affected with RPGRIP1L-related conditions. ClinVar contains an entry for this variant (Variation ID: 1420374). Advanced modeling of protein sequence and biophysical properties (such as structural, functional, and spatial information, amino acid conservation, physicochemical variation, residue mobility, and thermodynamic stability) performed at Invitae indicates that this missense variant is expected to disrupt RPGRIP1L protein function. In summary, the available evidence is currently insufficient to determine the role of this variant in disease. Therefore, it has been classified as a Variant of Uncertain Significance.

NM_015272.5(RPGRIP1L):c.1496A>C (p.Gln499Pro)

Gene: RPGRIP1L (RPGRIP1 like; minus strand). Cytogenetic location: 16q12.2.
Variant type: single nucleotide variant.
Coding change: c.1496A>C on transcript NM_015272.5 (MANE Select); coding-DNA position 1496, A replaced by C.
Protein change: p.Gln499Pro; replaces glutamine 499 with proline.
Molecular consequence: missense variant.
Genome position (GRCh38, 1-based): chr16:53,657,538, T>G on the plus strand (A>C on the coding strand, the complement: RPGRIP1L is on the minus strand). VCF-style: chr16-53657538-T-G. GRCh37 (hg19) VCF-style: chr16-53691450-T-G.
Other names: c.1496A>C, p.Gln499Pro (NM_001127897.4, NM_001308334.3, NM_001330538.2); short protein forms Q499P.
Identifiers: ClinVar variation 1420374 (VCV001420374.3), dbSNP rs2151156698, ClinGen allele CA395918972.